The following is an entry in ClinVar:

NM_014014.5(SNRNP200):c.1154C>T (p.Ser385Phe)

Gene: SNRNP200 (small nuclear ribonucleoprotein U5 subunit 200; minus strand). Cytogenetic location: 2q11.2.
Variant type: single nucleotide variant.
Coding change: c.1154C>T on transcript NM_014014.5 (MANE Select); coding-DNA position 1154, C replaced by T.
Protein change: p.Ser385Phe; replaces serine 385 with phenylalanine.
Molecular consequence: missense variant.
Genome position (GRCh38, 1-based): chr2:96,297,686, G>A on the plus strand (C>T on the coding strand, the complement: SNRNP200 is on the minus strand). VCF-style: chr2-96297686-G-A. GRCh37 (hg19) VCF-style: chr2-96963424-G-A.
Other names: short protein forms S385F.
Identifiers: ClinVar variation 965246 (VCV000965246.9), dbSNP rs2063925366, ClinGen allele CA347683587.

ClinVar aggregate classification (germline): Uncertain significance (1 of 4 stars; one submission).

Submission:

Labcorp Genetics (formerly Invitae), Labcorp
Classification: Uncertain significance. Last evaluated: 2024-12-10. Review status: criteria provided, single submitter. Criteria: Invitae Variant Classification Sherloc (09022015). Collection method: clinical testing. Allele origin: germline.
Comment: This sequence change replaces serine, which is neutral and polar, with phenylalanine, which is neutral and non-polar, at codon 385 of the SNRNP200 protein (p.Ser385Phe). This variant is not present in population databases (gnomAD no frequency). This missense change has been observed in individual(s) with clinical features of SNRNP200-related conditions (internal data). ClinVar contains an entry for this variant (Variation ID: 965246). Invitae Evidence Modeling of protein sequence and biophysical properties (such as structural, functional, and spatial information, amino acid conservation, physicochemical variation, residue mobility, and thermodynamic stability) indicates that this missense variant is not expected to disrupt SNRNP200 protein function with a negative predictive value of 95%. In summary, the available evidence is currently insufficient to determine the role of this variant in disease. Therefore, it has been classified as a Variant of Uncertain Significance.